The following is an entry in ClinVar:

ClinVar aggregate classification (germline): Pathogenic (1 of 4 stars; one submission).

Submission:

Labcorp Genetics (formerly Invitae), Labcorp
Classification: Pathogenic. Last evaluated: 2019-11-11. Review status: criteria provided, single submitter. Criteria: Invitae Variant Classification Sherloc (09022015). Collection method: clinical testing. Allele origin: germline.
Comment: This variant is an out-of-frame deletion of the genomic region encompassing exons 45-47 of the USH2A gene. This is expected to create a premature translational stop signal and result in an absent or disrupted protein product. A similar deletion of exons 45-47 has been reported as homozygous in an individual affected with hearing impairment (PMID: 28000701). This variant is also known as c.(8845+1_8846-1)_(9371+1_9372-1)del in the literature. Loss-of-function variants in USH2A are known to be pathogenic (PMID: 10729113, 10909849, 20507924, 25649381). For these reasons, this variant has been classified as Pathogenic.

Literature cited by the submitters: PubMed 28000701.

NC_000001.11:g.(?_215837991)_(215846033_?)del

Gene: USH2A (usherin; minus strand). Cytogenetic location: 1q41.
Variant type: Deletion.
Identifiers: ClinVar variation 833182 (VCV000833182.1).